The following is an entry in ClinVar:

NM_000055.4(BCHE):c.73A>T (p.Lys25Ter)

Gene: BCHE (butyrylcholinesterase; minus strand). Cytogenetic location: 3q26.1.
Variant type: single nucleotide variant.
Coding change: c.73A>T on transcript NM_000055.4 (MANE Select); coding-DNA position 73, A replaced by T.
Protein change: p.Lys25Ter; replaces lysine 25 with a stop codon.
Molecular consequence: nonsense. On other transcripts: non-coding transcript variant (1).
Genome position (GRCh38, 1-based): chr3:165,830,961, T>A on the plus strand (A>T on the coding strand, the complement: BCHE is on the minus strand). VCF-style: chr3-165830961-T-A. GRCh37 (hg19) VCF-style: chr3-165548749-T-A.
Other names: short protein forms K25*.
Identifiers: ClinVar variation 5003598 (VCV005003598.1).

ClinVar aggregate classification (germline): Pathogenic (1 of 4 stars; one submission).

Conditions:
Deficiency of butyrylcholinesterase (BCHED). Also called: BCHE, silent 1; Acholinesterasemia; Butyrylcholinesterase deficiency; Deficiency of butyrylcholine esterase. Identifiers: Orphanet 132, MedGen C1283400, MONDO:0015270, OMIM 617936.

Submission:

Myriad Genetics, Inc.
Classification: Pathogenic for Deficiency of butyrylcholinesterase. Last evaluated: 2025-08-13. Review status: criteria provided, single submitter. Criteria: Myriad Autosomal Dominant, Autosomal Recessive and X-Linked Classification Criteria (2023). Collection method: clinical testing. Allele origin: unknown.
Comment: NM_000055.2(BCHE):c.73A>T(K25*) is a nonsense variant classified as pathogenic in the context of pseudocholinesterase deficiency. K25* has been observed in a case with relevant disease (PMID: 29631548). Relevant functional assessments of this variant are not available in the literature. K25* has not been observed in referenced population frequency databases. In summary, NM_000055.2(BCHE):c.73A>T(K25*) is a nonsense variant in a gene where loss of function is a known mechanism of disease, is predicted to disrupt protein function, and has been observed more frequently in cases with the relevant disease than in healthy populations. Please note: this variant was assessed in the context of healthy population screening.

Literature cited by the submitters: PubMed 29631548.